The following is an entry in ClinVar:

ClinVar aggregate classification (germline): Uncertain significance (1 of 4 stars; one submission).

gnomAD v4.1: 74 of 1,607,646 alleles (0.0046%); highest among the groups gnomAD compares: Non-Finnish European, 0.006%; no homozygotes.

Submission:

Labcorp Genetics (formerly Invitae), Labcorp
Classification: Uncertain significance. Last evaluated: 2025-10-23. Review status: criteria provided, single submitter. Criteria: Invitae Variant Classification Sherloc (09022015). Collection method: clinical testing. Allele origin: germline.
Comment: This sequence change replaces isoleucine, which is neutral and non-polar, with valine, which is neutral and non-polar, at codon 598 of the ATF6 protein (p.Ile598Val). This variant is present in population databases (rs773084162, gnomAD 0.03%). This variant has not been reported in the literature in individuals affected with ATF6-related conditions. Invitae Evidence Modeling of protein sequence and biophysical properties (such as structural, functional, and spatial information, amino acid conservation, physicochemical variation, residue mobility, and thermodynamic stability) indicates that this missense variant is not expected to disrupt ATF6 protein function with a negative predictive value of 80%. In summary, the available evidence is currently insufficient to determine the role of this variant in disease. Therefore, it has been classified as a Variant of Uncertain Significance.

NM_007348.4(ATF6):c.1792A>G (p.Ile598Val)

Gene: ATF6 (activating transcription factor 6; plus strand). Cytogenetic location: 1q23.3.
Variant type: single nucleotide variant.
Coding change: c.1792A>G on transcript NM_007348.4 (MANE Select); coding-DNA position 1792, A replaced by G.
Protein change: p.Ile598Val; replaces isoleucine 598 with valine.
Molecular consequence: missense variant.
Genome position (GRCh38, 1-based): chr1:161,912,368, A>G. VCF-style: chr1-161912368-A-G. GRCh37 (hg19) VCF-style: chr1-161882158-A-G.
Other names: c.1789A>G, p.Ile597Val (NM_001410890.1); c.1849A>G, p.Ile617Val (NM_001437597.1); short protein forms I597V, I617V, I598V.
Identifiers: ClinVar variation 4779575 (VCV004779575.1).